The following is an entry in ClinVar:

NM_001127511.3(APC):c.-172A>G

Gene: APC (APC regulator of Wnt signaling pathway; plus strand). Cytogenetic location: 5q22.2.
Variant type: single nucleotide variant.
Coding change: c.-172A>G on transcript NM_001127511.3; 172 bases upstream of the start codon, A replaced by G.
Molecular consequence: 5 prime UTR variant. On other transcripts: non-coding transcript variant (2).
Genome position (GRCh38, 1-based): chr5:112,707,546, A>G. VCF-style: chr5-112707546-A-G. GRCh37 (hg19) VCF-style: chr5-112043243-A-G.
Other names: c.-355A>G (NM_001354895.2, NM_001407447.1, NM_001407452.1 and 3 more transcripts); c.-172A>G (NM_001354897.2, NM_001354902.2, NM_001407446.1); c.-122A>G (NM_001407448.1, NM_001407450.1, NM_001407457.1 and 1 more transcripts); c.-146A>G (NM_001407453.1); c.-1390A>G (NM_001407470.1, NM_001407472.1).
Identifiers: ClinVar variation 2800138 (VCV002800138.3), dbSNP rs1580995983, ClinGen allele CA2709768696.
Genomic context (GRCh38, chr5:112,707,546, plus strand): 5'-TCTCACGCATGCGCATTGTAGTCTTCCCACCTCCCACAAGATGGCGGAGGGCAAGTAGCA[A>G]GGGGGCGGGGTGTGGCCGCCGGAAGCCTAGCCGCTGCTCGGGGGGGACCTGCGGGCTCAG-3'

ClinVar aggregate classification (germline): Uncertain significance (1 of 4 stars; one submission).

Conditions:
Familial adenomatous polyposis 1 (FAP1). Also called: FAMILIAL ADENOMATOUS POLYPOSIS 1, ATTENUATED; POLYPOSIS, ADENOMATOUS INTESTINAL. Identifiers: MedGen C2713442, MONDO:0021056, OMIM 175100. Disease mechanism: loss of function.

Submission:

Labcorp Genetics (formerly Invitae), Labcorp
Classification: Uncertain significance for Familial adenomatous polyposis 1. Last evaluated: 2023-03-14. Review status: criteria provided, single submitter. Criteria: Invitae Variant Classification Sherloc (09022015). Collection method: clinical testing. Allele origin: germline.
Comment: In summary, the available evidence is currently insufficient to determine the role of this variant in disease. Therefore, it has been classified as a Variant of Uncertain Significance. Experimental studies and prediction algorithms are not available or were not evaluated, and the functional significance of this variant is currently unknown. This variant has not been reported in the literature in individuals affected with APC-related conditions. This variant is not present in population databases (gnomAD no frequency). This variant occurs in a non-coding region of the APC gene. It does not change the encoded amino acid sequence of the APC protein.